The following is an entry in ClinVar:

NC_000015.9:g.(?_67358483)_(67358708_?)dup

Gene: SMAD3 (SMAD family member 3; plus strand). Cytogenetic location: 15q22.33.
Variant type: Duplication.
Identifiers: ClinVar variation 999900 (VCV000999900.1).

ClinVar aggregate classification (germline): Uncertain significance (1 of 4 stars; one submission).

Conditions:
Familial thoracic aortic aneurysm and aortic dissection (TAAD). Also called: Thoracic aortic aneurysms and dissections. Identifiers: Orphanet 91387, MedGen C4707243, MONDO:0019625.

Submission:

Labcorp Genetics (formerly Invitae), Labcorp
Classification: Uncertain significance for Familial thoracic aortic aneurysm and aortic dissection. Last evaluated: 2020-05-20. Review status: criteria provided, single submitter. Criteria: Invitae Variant Classification Sherloc (09022015). Collection method: clinical testing. Allele origin: germline.
Comment: This variant results in a copy number gain of the genomic region encompassing exon 1 of the SMAD3 gene, which includes the initiator codon. The 5' end of this event is unknown as it extends beyond the assayed region for this gene and therefore may encompass additional genes. The 3' boundary is likely confined to intron 1 of the SMAD3 gene. As the precise location of this event is unknown, it may be in tandem or it may be located elsewhere in the genome. This variant has not been reported in the literature in individuals with SMAD3-related conditions. In summary, the available evidence is currently insufficient to determine the role of this variant in disease. Therefore, it has been classified as a Variant of Uncertain Significance.